The following is an entry in ClinVar:

ClinVar aggregate classification (germline): Benign (1 of 4 stars; one submission).

Conditions:
Charcot-Marie-Tooth disease type 1C. Also called: CHARCOT-MARIE-TOOTH DISEASE, DEMYELINATING, TYPE 1C; CMT, SLOW NERVE CONDUCTION TYPE C; HMSN IC; Charcot-Marie-Tooth disease, type IC; CHARCOT-MARIE-TOOTH NEUROPATHY, TYPE 1C; NEUROPATHY, HEREDITARY MOTOR AND SENSORY, TYPE IC. Identifiers: Orphanet 101083, MedGen C0270913, MONDO:0010995, OMIM 601098.

Allele frequency attached by ClinVar (database versions not stated): ExAC 0.00028; gnomAD exomes 0.00056 and 0.00024; gnomAD 0.00025 and 0.00039; TOPMed 0.00043; 1000 Genomes Project 0.00120; 1000 Genomes Project 30x 0.00141.
gnomAD v4.1: 130 of 454,050 alleles (0.029%); highest among the groups gnomAD compares: East Asian, 0.73%; 1 homozygote.

Submission:

Illumina Laboratory Services, Illumina
Classification: Benign for Charcot-Marie-Tooth disease type 1C. Last evaluated: 2018-01-13. Review status: criteria provided, single submitter. Criteria: ICSL Variant Classification Criteria 13 December 2019. Collection method: clinical testing. Allele origin: germline.
Comment: This variant was observed in the ICSL laboratory as part of a predisposition screen in an ostensibly healthy population. It had not been previously curated by ICSL or reported in the Human Gene Mutation Database (HGMD: prior to June 1st, 2018), and was therefore a candidate for classification through an automated scoring system. Utilizing variant allele frequency, disease prevalence and penetrance estimates, and inheritance mode, an automated score was calculated to assess if this variant is too frequent to cause the disease. Based on the score and internal cut-off values, a variant classified as benign is not then subjected to further curation. The score for this variant resulted in a classification of benign for this disease.

NM_001136472.2(LITAF):c.*1627G>A

Gene: LITAF (lipopolysaccharide induced TNF factor; minus strand). Cytogenetic location: 16p13.13.
Variant type: single nucleotide variant.
Coding change: c.*1627G>A on transcript NM_001136472.2 (MANE Select); 1627 bases downstream of the stop codon, G replaced by A.
Molecular consequence: 3 prime UTR variant. On other transcripts: non-coding transcript variant (1).
Genome position (GRCh38, 1-based): chr16:11,548,010, C>T on the plus strand (G>A on the coding strand, the complement: LITAF is on the minus strand). VCF-style: chr16-11548010-C-T. GRCh37 (hg19) VCF-style: chr16-11641866-C-T.
Other names: c.*1752G>A (NM_001136473.1); c.*1627G>A (NM_004862.4).
Identifiers: ClinVar variation 317753 (VCV000317753.5), dbSNP rs62022848, ClinGen allele CA7903888.
Genomic context (GRCh38, chr16:11,548,010, plus strand): 5'-AAATGCAACATGAGCCCTTTCTTCACACCAAAAGAACTCATAAATAGTTCACCGGGTGAA[C>T]CAAAGACTTTATTTTTCAAAAGCAGGTAACACCAAAGTACTATGTGGTATCCATATTCGT-3'